The following is an entry in ClinVar:

NM_001384140.1(PCDH15):c.4671+1371C>T

Gene: PCDH15 (protocadherin related 15; minus strand). Cytogenetic location: 10q21.1.
Variant type: single nucleotide variant.
Coding change: c.4671+1371C>T on transcript NM_001384140.1 (MANE Select); 1371 bases into the intron after coding-DNA position 4671, C replaced by T.
Molecular consequence: intron variant. On other transcripts: missense variant (2), 3 prime UTR variant (1).
Genome position (GRCh38, 1-based): chr10:53,809,185, G>A on the plus strand (C>T on the coding strand, the complement: PCDH15 is on the minus strand). VCF-style: chr10-53809185-G-A. GRCh37 (hg19) VCF-style: chr10-55568945-G-A.
Other names: c.4880C>T, p.Thr1627Ile (NM_001142769.4); c.*295C>T (NM_001142770.3); c.4859C>T, p.Thr1620Ile (NM_001354411.2); c.4476+1371C>T (NM_001354420.2); c.4605+1371C>T (NM_001354429.2); c.4482+1371C>T (NM_001142772.2); c.4497+1371C>T (NM_001142771.2); short protein forms T1627I, T1620I.
Identifiers: ClinVar variation 4981578 (VCV004981578.1).

ClinVar aggregate classification (germline): Uncertain significance (1 of 4 stars; one submission).

Conditions:
PCDH15-related disorder. Also called: PCDH15-related condition; PCDH15-related disorders.

gnomAD v4.1: 20 of 1,613,778 alleles (0.0012%); highest among the groups gnomAD compares: Admixed American, 0.032%; no homozygotes.

Submission:

PreventionGenetics, part of Exact Sciences
Classification: Uncertain significance for PCDH15-related condition. Last evaluated: 2026-08-12. Review status: criteria provided, single submitter. Criteria: ACMG Guidelines, 2015. Collection method: clinical testing. Allele origin: germline.
Comment: The PCDH15 c.4880C>T variant is predicted to result in the amino acid substitution p.Thr1627Ile. To our knowledge, this variant has not been reported in the literature. This variant is reported in 0.038% of alleles in individuals of Latino descent in gnomAD. At this time, the clinical significance of this variant is uncertain due to the absence of conclusive functional and genetic evidence.